The following is an entry in ClinVar:

ClinVar aggregate classification (germline): Likely benign (1 of 4 stars; one submission).

Conditions:
Wilson disease (WND). Also called: Wilson's disease. Identifiers: Orphanet 905, MedGen C0019202, MONDO:0010200, OMIM 277900. Disease mechanism: loss of function.

Submission:

All of Us Research Program, National Institutes of Health
Classification: Likely benign for Wilson disease. Last evaluated: 2023-02-24. Review status: criteria provided, single submitter. Criteria: ACMG Guidelines, 2015. Collection method: clinical testing. Allele origin: germline. Inheritance: Autosomal recessive inheritance. Observed: 1 variant allele, 1 heterozygote.
Comment: This study involves interpretation of variants in research participants for the purpose of population health screening. Participant phenotype was not available at the time of variant classification. Additional details can be found in publication PMID: 35346344, PMCID: PMC8962531

NM_000053.4(ATP7B):c.333G>A (p.Gln111=)

Gene: ATP7B (ATPase copper transporting beta; minus strand). Cytogenetic location: 13q14.3.
Variant type: single nucleotide variant.
Coding change: c.333G>A on transcript NM_000053.4 (MANE Select); coding-DNA position 333, G replaced by A.
Protein change: p.Gln111=; no amino-acid change (glutamine 111 retained).
Molecular consequence: synonymous variant.
Genome position (GRCh38, 1-based): chr13:51,974,887, C>T on the plus strand (G>A on the coding strand, the complement: ATP7B is on the minus strand). VCF-style: chr13-51974887-C-T. GRCh37 (hg19) VCF-style: chr13-52549023-C-T.
Other names: c.333G>A, p.Gln111= (NM_001243182.2, NM_001330578.2, NM_001330579.2 and 30 more transcripts); c.237G>A, p.Gln79= (NM_001406517.1, NM_001406518.1, NM_001406530.1 and 4 more transcripts).
Identifiers: ClinVar variation 3069542 (VCV003069542.1), dbSNP rs2547823729, ClinGen allele CA484025248.